The following is an entry in ClinVar:

NM_000038.6(APC):c.6621A>G (p.Ser2207=)

Gene: APC (APC regulator of Wnt signaling pathway; plus strand). Cytogenetic location: 5q22.2.
Variant type: single nucleotide variant.
Coding change: c.6621A>G on transcript NM_000038.6 (MANE Select); coding-DNA position 6621, A replaced by G.
Protein change: p.Ser2207=; no amino-acid change (serine 2207 retained).
Molecular consequence: synonymous variant.
Genome position (GRCh38, 1-based): chr5:112,842,215, A>G. VCF-style: chr5-112842215-A-G. GRCh37 (hg19) VCF-style: chr5-112177912-A-G.
Other names: c.6621A>G, p.Ser2207= (NM_001127510.3, NM_001354895.2); c.6567A>G, p.Ser2189= (NM_001127511.3); c.6675A>G, p.Ser2225= (NM_001354896.2); c.6651A>G, p.Ser2217= (NM_001354897.2); c.6546A>G, p.Ser2182= (NM_001354898.2); c.6537A>G, p.Ser2179= (NM_001354899.2); c.6498A>G, p.Ser2166= (NM_001354900.2); c.6444A>G, p.Ser2148= (NM_001354901.2); and 5 more.
Identifiers: ClinVar variation 384326 (VCV000384326.55), dbSNP rs1057521923, ClinGen allele CA16605181.

ClinVar aggregate classification (germline): Benign/Likely benign. Review status: criteria provided, multiple submitters, no conflicts (2 of 4 stars). 7 submissions from 7 submitters: Benign (1); Likely benign (6). Last evaluated 2025-09-01.

Conditions:
Familial adenomatous polyposis 1 (FAP1). Also called: POLYPOSIS, ADENOMATOUS INTESTINAL; FAMILIAL ADENOMATOUS POLYPOSIS 1, ATTENUATED. Identifiers: MedGen C2713442, MONDO:0021056, OMIM 175100. Disease mechanism: loss of function.
Classic or attenuated familial adenomatous polyposis. Identifiers: MedGen CN372698, MONDO:0021057.
Hereditary cancer-predisposing syndrome. Also called: Neoplastic Syndromes, Hereditary; Hereditary neoplastic syndrome; Tumor predisposition; Hereditary Cancer Syndrome. Identifiers: Orphanet 140162, MedGen C0027672, MeSH D009386, MONDO:0015356.

Allele frequency attached by ClinVar (database versions not stated): gnomAD exomes below 0.00001 and 0.00001.
gnomAD v4.1: 2 of 1,613,752 alleles (0.00012%); highest among the groups gnomAD compares: Non-Finnish European, 0.00017%; no homozygotes.

Submissions (7):

Labcorp Genetics (formerly Invitae), Labcorp
Classification: Likely benign for Familial adenomatous polyposis 1. Last evaluated: 2025-09-01. Review status: criteria provided, single submitter. Criteria: Invitae Variant Classification Sherloc (09022015). Collection method: clinical testing. Allele origin: germline.

Myriad Genetics, Inc.
Classification: Benign for Familial adenomatous polyposis 1. Last evaluated: 2024-04-05. Review status: criteria provided, single submitter. Criteria: Myriad Autosomal Dominant, Autosomal Recessive and X-Linked Classification Criteria (2023). Collection method: clinical testing. Allele origin: unknown.
Comment: This variant is considered benign. This variant is a silent/synonymous amino acid change and it is not expected to impact splicing.

All of Us Research Program, National Institutes of Health
Classification: Likely benign for Classic or attenuated familial adenomatous polyposis. Last evaluated: 2023-06-26. Review status: criteria provided, single submitter. Criteria: ACMG Guidelines, 2015. Collection method: clinical testing. Allele origin: germline. Inheritance: Autosomal dominant inheritance. Observed: 1 variant allele, 1 heterozygote.
Comment: This study involves interpretation of variants in research participants for the purpose of population health screening. Participant phenotype was not available at the time of variant classification. Additional details can be found in publication PMID: 35346344, PMCID: PMC8962531

CeGaT Center for Human Genetics Tuebingen
Classification: Likely benign. Last evaluated: 2021-10-01. Review status: criteria provided, single submitter. Criteria: CeGaT Center For Human Genetics Tuebingen Variant Classification Criteria Version 2. Collection method: clinical testing. Allele origin: germline. Affected: yes. Observed: 1 variant allele.

Ambry Genetics
Classification: Likely benign for Hereditary cancer-predisposing syndrome. Last evaluated: 2020-06-26. Review status: criteria provided, single submitter. Criteria: Ambry Variant Classification Scheme 2023. Collection method: clinical testing. Allele origin: germline.

Color Diagnostics, LLC DBA Color Health
Classification: Likely benign for Hereditary cancer-predisposing syndrome. Last evaluated: 2018-08-17. Review status: criteria provided, single submitter. Criteria: ACMG Guidelines, 2015. Collection method: clinical testing. Allele origin: germline.

GeneDx
Classification: Likely benign. Last evaluated: 2017-10-31. Review status: criteria provided, single submitter. Criteria: GeneDx Variant Classification (06012015). Collection method: clinical testing. Allele origin: germline. Affected: yes.
Comment: This variant is considered likely benign or benign based on one or more of the following criteria: it is a conservative change, it occurs at a poorly conserved position in the protein, it is predicted to be benign by multiple in silico algorithms, and/or has population frequency not consistent with disease.